The following is an entry in ClinVar:

NM_000478.6(ALPL):c.-81G>A

Gene: ALPL (alkaline phosphatase, biomineralization associated; plus strand). Cytogenetic location: 1p36.12.
Variant type: single nucleotide variant.
Coding change: c.-81G>A on transcript NM_000478.6 (MANE Select); 81 bases upstream of the start codon, G replaced by A.
Molecular consequence: 5 prime UTR variant. On other transcripts: intron variant (2).
Genome position (GRCh38, 1-based): chr1:21,554,001, G>A. VCF-style: chr1-21554001-G-A. GRCh37 (hg19) VCF-style: chr1-21880494-G-A.
Other names: c.-81G>A (NM_001369803.2, NM_001369804.2, NM_001369805.2); c.-104-6625G>A (NM_001127501.4); c.-54-6625G>A (NM_001177520.3).
Identifiers: ClinVar variation 295540 (VCV000295540.6), dbSNP rs528218843, ClinGen allele CA10609014.

ClinVar aggregate classification (germline): Uncertain significance. Review status: criteria provided, multiple submitters, no conflicts (2 of 4 stars). 2 submissions from 2 submitters: Uncertain significance (2). Last evaluated 2025-08-29.

Conditions:
Hypophosphatasia. Also called: Phosphoethanol-aminuria. Identifiers: Orphanet 436, MedGen C0020630, MeSH D007014, MONDO:0018570.

Allele frequency attached by ClinVar (database versions not stated): 1000 Genomes Project 30x 0.00016; 1000 Genomes Project 0.00020; gnomAD 0.00010; TOPMed 0.00009.
gnomAD v4.1: 73 of 1,141,802 alleles (0.0064%); highest among the groups gnomAD compares: Middle Eastern, 0.027%; no homozygotes.

Submissions (2):

Genomenon, Inc
Classification: Uncertain significance for Hypophosphatasia. Last evaluated: 2025-08-29. Review status: criteria provided, single submitter. Criteria: Genomenon Sequence Variant Interpretation Standards. Collection method: curation. Allele origin: germline. Affected: yes.
Comment: ALPL c.-81G>A is a variant located in the 5′ untranslated region (5′ UTR). This variant has been observed in at least one proband affected with hypophosphatasia (PMID:33191482). It is absent or not present at a significant frequency in gnomAD. In conclusion, we classify ALPL c.-81G>A (c.-81G>A) as a variant of unknown significance.

Illumina Laboratory Services, Illumina
Classification: Uncertain significance for Hypophosphatasia. Last evaluated: 2018-01-13. Review status: criteria provided, single submitter. Criteria: ICSL Variant Classification Criteria 13 December 2019. Collection method: clinical testing. Allele origin: germline.

Literature cited by the submitters: PubMed 33191482 (cited by Genomenon, Inc).